The following is an entry in ClinVar:

ClinVar aggregate classification (germline): Uncertain significance (1 of 4 stars; one submission).

Submission:

Labcorp Genetics (formerly Invitae), Labcorp
Classification: Uncertain significance. Last evaluated: 2025-02-15. Review status: criteria provided, single submitter. Criteria: Invitae Variant Classification Sherloc (09022015). Collection method: clinical testing. Allele origin: germline.
Comment: This sequence change replaces cysteine, which is neutral and slightly polar, with phenylalanine, which is neutral and non-polar, at codon 328 of the SAMD9L protein (p.Cys328Phe). This variant is not present in population databases (gnomAD no frequency). This variant has not been reported in the literature in individuals affected with SAMD9L-related conditions. An algorithm developed to predict the effect of missense changes on protein structure and function outputs the following: PolyPhen-2: "Benign". The phenylalanine amino acid residue is found in multiple mammalian species, which suggests that this missense change does not adversely affect protein function. In summary, the available evidence is currently insufficient to determine the role of this variant in disease. Therefore, it has been classified as a Variant of Uncertain Significance.

NM_152703.5(SAMD9L):c.983G>T (p.Cys328Phe)

Gene: SAMD9L (sterile alpha motif domain containing 9 like; minus strand). Cytogenetic location: 7q21.2.
Variant type: single nucleotide variant.
Coding change: c.983G>T on transcript NM_152703.5 (MANE Select); coding-DNA position 983, G replaced by T.
Protein change: p.Cys328Phe; replaces cysteine 328 with phenylalanine.
Molecular consequence: missense variant.
Genome position (GRCh38, 1-based): chr7:93,134,989, C>A on the plus strand (G>T on the coding strand, the complement: SAMD9L is on the minus strand). VCF-style: chr7-93134989-C-A. GRCh37 (hg19) VCF-style: chr7-92764302-C-A.
Other names: c.983G>T, p.Cys328Phe (NM_001303496.3, NM_001303497.3, NM_001303498.3 and 5 more transcripts); short protein forms C328F.
Identifiers: ClinVar variation 4780130 (VCV004780130.1).